The following is an entry in ClinVar:

ClinVar aggregate classification (germline): Likely benign (0 of 4 stars; one submission).

Conditions:
RIPK4-related disorder. Also called: RIPK4-related condition.

Allele frequency attached by ClinVar (database versions not stated): ExAC 0.00002; ESP Exome Variant Server 0.00008.
gnomAD v4.1: 56 of 1,611,532 alleles (0.0035%); highest among the groups gnomAD compares: Admixed American, 0.0067%; no homozygotes.

Submission:

PreventionGenetics, part of Exact Sciences
Classification: Likely benign for RIPK4-related condition. Last evaluated: 2020-01-02. Review status: no assertion criteria provided. Collection method: clinical testing. Allele origin: germline.
Comment: This variant is classified as likely benign based on ACMG/AMP sequence variant interpretation guidelines (Richards et al. 2015 PMID: 25741868, with internal and published modifications).

NM_020639.3(RIPK4):c.1833C>T (p.Ala611=)

Gene: RIPK4 (receptor interacting serine/threonine kinase 4; minus strand). Cytogenetic location: 21q22.3.
Variant type: single nucleotide variant.
Coding change: c.1833C>T on transcript NM_020639.3 (MANE Select); coding-DNA position 1833, C replaced by T.
Protein change: p.Ala611=; no amino-acid change (alanine 611 retained).
Molecular consequence: synonymous variant.
Genome position (GRCh38, 1-based): chr21:41,741,360, G>A on the plus strand (C>T on the coding strand, the complement: RIPK4 is on the minus strand). VCF-style: chr21-41741360-G-A. GRCh37 (hg19) VCF-style: chr21-43161520-G-A.
Identifiers: ClinVar variation 3037840 (VCV003037840.2), dbSNP rs146788763, ClinGen allele CA10035202.